The following is an entry in ClinVar:

ClinVar aggregate classification (germline): Pathogenic/Likely pathogenic. Review status: criteria provided, multiple submitters, no conflicts (2 of 4 stars). 5 submissions from 5 submitters: Pathogenic (4); Likely pathogenic (1). Last evaluated 2026-08-18.

Conditions:
Inborn genetic diseases. Identifiers: MedGen C0950123, MeSH D030342.
Autism spectrum disorder due to AUTS2 deficiency (MRD26). Also called: INTELLECTUAL DEVELOPMENTAL DISORDER, AUTOSOMAL DOMINANT 26. Identifiers: Orphanet 352490, MedGen C4014435, MONDO:0014361, OMIM 615834.
AUTS2-related disorder. Also called: AUTS2-related condition.

Submissions (5):

Clinical Genetics Laboratory, Skane University Hospital Lund
Classification: Pathogenic for Autism spectrum disorder due to AUTS2 deficiency. Last evaluated: 2026-08-18. Review status: criteria provided, single submitter. Criteria: ACMG Guidelines, 2015. Collection method: clinical testing. Allele origin: de novo. Inheritance: Autosomal dominant inheritance. Affected: yes.
Comment: ACMG criteria applied PVS1, PS2, PS4 and PM2

Ambry Genetics
Classification: Pathogenic for Inborn genetic diseases. Last evaluated: 2025-09-25. Review status: criteria provided, single submitter. Criteria: Ambry Variant Classification Scheme 2023. Collection method: clinical testing. Allele origin: germline.
Comment: The c.454C>T (p.R152*) alteration, located in exon 2 (coding exon 2) of the AUTS2 gene, consists of a C to T substitution at nucleotide position 454. This changes the amino acid from a arginine (R) to a stop codon at amino acid position 152. This alteration is expected to result in loss of function by premature protein truncation or nonsense-mediated mRNA decay. This variant was not reported in population-based cohorts in the Genome Aggregation Database (gnomAD). This variant was reported in individual(s) with features consistent with AUTS2-related neurodevelopmental disorder; in at least one individual, it was determined to be de novo (DECIPHER). This variant has also been identified as a de novo finding in additional individual(s), but clinical details were limited (McCarthy, 2014). Based on the available evidence, this alteration is classified as pathogenic.

GeneDx
Classification: Pathogenic. Last evaluated: 2023-12-04. Review status: criteria provided, single submitter. Criteria: GeneDx Variant Classification Process June 2021. Collection method: clinical testing. Allele origin: germline. Affected: yes.
Comment: Nonsense variant predicted to result in protein truncation or nonsense mediated decay in a gene for which loss of function is a known mechanism of disease; Not observed at significant frequency in large population cohorts (gnomAD); This variant is associated with the following publications: (PMID: 24776741)

3billion
Classification: Likely pathogenic for Autism spectrum disorder due to AUTS2 deficiency. Last evaluated: 2023-02-23. Review status: criteria provided, single submitter. Criteria: ACMG Guidelines, 2015. Collection method: clinical testing. Allele origin: unknown. Affected: yes.
Comment: The variant is not observed in the gnomAD v2.1.1 dataset. This variant was predicted to result in a loss or disruption of normal protein function through nonsense-mediated decay (NMD) or protein truncation. Multiple pathogenic variants are reported downstream of the variant. Therefore, this variant is classified as Likely pathogenic according to the recommendation of ACMG/AMP guideline.

Blueprint Genetics
Classification: Pathogenic for AUTS2-related disorders. Last evaluated: 2019-09-26. Review status: criteria provided, single submitter. Criteria: ACMG Guidelines, 2015. Collection method: clinical testing. Allele origin: de novo. Affected: yes. Observed: 1 variant allele.

Literature cited by the submitters: PubMed 24776741 (cited by Ambry Genetics); PubMed 33057194 (cited by Ambry Genetics); PubMed 35468861 (cited by Ambry Genetics); PubMed 35982159 (cited by Ambry Genetics).

NM_015570.4(AUTS2):c.454C>T (p.Arg152Ter)

Gene: AUTS2 (activator of transcription and developmental regulator AUTS2; plus strand). Cytogenetic location: 7q11.22.
Variant type: single nucleotide variant.
Coding change: c.454C>T on transcript NM_015570.4 (MANE Select); coding-DNA position 454, C replaced by T.
Protein change: p.Arg152Ter; replaces arginine 152 with a stop codon.
Molecular consequence: nonsense.
Genome position (GRCh38, 1-based): chr7:69,899,430, C>T. VCF-style: chr7-69899430-C-T. GRCh37 (hg19) VCF-style: chr7-69364416-C-T.
Other names: c.454C>T (NM_015570.2); c.454C>T, p.Arg152Ter (NM_001127231.3, NM_001127232.3); short protein forms R152*.
Identifiers: ClinVar variation 2444256 (VCV002444256.5), dbSNP rs779089442, ClinGen allele CA367703631.